The following is an entry in ClinVar:

ClinVar aggregate classification (germline): Uncertain significance (1 of 4 stars; one submission).

Allele frequency attached by ClinVar (database versions not stated): ExAC 0.00001; gnomAD 0.00001; TOPMed 0.00001.
gnomAD v4.1: 1 of 1,578,590 alleles (0.000063%); highest among the groups gnomAD compares: African/African-American, 0.0013%; no homozygotes.

Submission:

Labcorp Genetics (formerly Invitae), Labcorp
Classification: Uncertain significance. Last evaluated: 2024-02-17. Review status: criteria provided, single submitter. Criteria: Invitae Variant Classification Sherloc (09022015). Collection method: clinical testing. Allele origin: germline.
Comment: This sequence change replaces cysteine, which is neutral and slightly polar, with tyrosine, which is neutral and polar, at codon 683 of the BACH2 protein (p.Cys683Tyr). This variant is present in population databases (rs751368401, gnomAD 0.001%). This variant has not been reported in the literature in individuals affected with BACH2-related conditions. ClinVar contains an entry for this variant (Variation ID: 1955130). Advanced modeling of protein sequence and biophysical properties (such as structural, functional, and spatial information, amino acid conservation, physicochemical variation, residue mobility, and thermodynamic stability) performed at Invitae indicates that this missense variant is not expected to disrupt BACH2 protein function with a negative predictive value of 80%. In summary, the available evidence is currently insufficient to determine the role of this variant in disease. Therefore, it has been classified as a Variant of Uncertain Significance.

NM_021813.4(BACH2):c.2048G>A (p.Cys683Tyr)

Gene: BACH2 (BACH transcriptional regulator 2; minus strand). Cytogenetic location: 6q15.
Variant type: single nucleotide variant.
Coding change: c.2048G>A on transcript NM_021813.4 (MANE Select); coding-DNA position 2048, G replaced by A.
Protein change: p.Cys683Tyr; replaces cysteine 683 with tyrosine.
Molecular consequence: missense variant.
Genome position (GRCh38, 1-based): chr6:89,932,886, C>T on the plus strand (G>A on the coding strand, the complement: BACH2 is on the minus strand). VCF-style: chr6-89932886-C-T. GRCh37 (hg19) VCF-style: chr6-90642605-C-T.
Other names: c.2048G>A, p.Cys683Tyr (NM_001170794.2); short protein forms C683Y.
Identifiers: ClinVar variation 1955130 (VCV001955130.5), dbSNP rs751368401, ClinGen allele CA3927864.